The following is an entry in ClinVar:

NM_000245.4(MET):c.2419C>A (p.Gln807Lys)

Gene: MET (MET proto-oncogene, receptor tyrosine kinase; plus strand). Cytogenetic location: 7q31.2.
Variant type: single nucleotide variant.
Coding change: c.2419C>A on transcript NM_000245.4 (MANE Select); coding-DNA position 2419, C replaced by A.
Protein change: p.Gln807Lys; replaces glutamine 807 with lysine.
Molecular consequence: missense variant.
Genome position (GRCh38, 1-based): chr7:116,763,104, C>A. VCF-style: chr7-116763104-C-A. GRCh37 (hg19) VCF-style: chr7-116403158-C-A.
Other names: c.2473C>A (NM_001127500.1); c.2473C>A, p.Gln825Lys (NM_001127500.3); c.2419C>A, p.Gln807Lys (NM_001324401.3); c.1129C>A, p.Gln377Lys (NM_001324402.2); short protein forms Q807K, Q377K, Q825K.
Identifiers: ClinVar variation 1505642 (VCV001505642.10), dbSNP rs2116954655, ClinGen allele CA368983082.

ClinVar aggregate classification (germline): Conflicting classifications of pathogenicity. Review status: criteria provided, conflicting classifications (1 of 4 stars). 2 submissions from 2 submitters: Uncertain significance (1); Likely benign (1). Last evaluated 2026-07-10.

Conditions:
Renal cell carcinoma. Identifiers: Orphanet 217071, MedGen C0007134, MeSH D002292, MONDO:0005086, HP:0005584.
Hereditary cancer-predisposing syndrome. Also called: Hereditary Cancer Syndrome; Tumor predisposition; Neoplastic Syndromes, Hereditary; Hereditary neoplastic syndrome. Identifiers: Orphanet 140162, MedGen C0027672, MeSH D009386, MONDO:0015356.

Allele frequency attached by ClinVar (database versions not stated): gnomAD exomes below 0.00001.
gnomAD v4.1: 1 of 1,614,062 alleles (0.000062%); highest among the groups gnomAD compares: Non-Finnish European, 0.000085%; no homozygotes.

Submissions (2):

Ambry Genetics
Classification: Likely benign for Hereditary cancer-predisposing syndrome. Last evaluated: 2026-07-10. Review status: criteria provided, single submitter. Criteria: Ambry Variant Classification Scheme 2023. Collection method: clinical testing. Allele origin: germline.

Labcorp Genetics (formerly Invitae), Labcorp
Classification: Uncertain significance for Renal cell carcinoma. Last evaluated: 2023-06-20. Review status: criteria provided, single submitter. Criteria: Invitae Variant Classification Sherloc (09022015). Collection method: clinical testing. Allele origin: germline.
Comment: This variant has not been reported in the literature in individuals affected with MET-related conditions. ClinVar contains an entry for this variant (Variation ID: 1505642). Advanced modeling of protein sequence and biophysical properties (such as structural, functional, and spatial information, amino acid conservation, physicochemical variation, residue mobility, and thermodynamic stability) performed at Invitae indicates that this missense variant is not expected to disrupt MET protein function. In summary, the available evidence is currently insufficient to determine the role of this variant in disease. Therefore, it has been classified as a Variant of Uncertain Significance. This variant is not present in population databases (gnomAD no frequency). This sequence change replaces glutamine, which is neutral and polar, with lysine, which is basic and polar, at codon 825 of the MET protein (p.Gln825Lys).